The following is an entry in ClinVar:

ClinVar aggregate classification (germline): Benign/Likely benign. Review status: criteria provided, multiple submitters, no conflicts (2 of 4 stars). 7 submissions from 7 submitters: Benign (2); Likely benign (5). Last evaluated 2026-03-31.

Conditions:
Combined immunodeficiency due to DOCK8 deficiency (HIES2). Also called: Hyper-IgE recurrent infection syndrome, autosomal recessive; HYPER-IgE RECURRENT INFECTION SYNDROME 2, AUTOSOMAL RECESSIVE; HIES autosomal recessive; HYPER-IgE SYNDROME 2, AUTOSOMAL RECESSIVE, WITH RECURRENT INFECTIONS; DOCK8 Deficiency. Identifiers: Orphanet 217390, MedGen C4722305, MONDO:0009478, OMIM 243700.

Allele frequency attached by ClinVar (database versions not stated): 1000 Genomes Project 30x 0.00172; 1000 Genomes Project 0.00180; gnomAD 0.00272 and 0.00296; TOPMed 0.00303; ESP Exome Variant Server 0.00369.
gnomAD v4.1: 786 of 1,614,102 alleles (0.049%); highest among the groups gnomAD compares: African/African-American, 0.92%; 4 homozygotes.

Submissions (9):

Women's Health and Genetics/Laboratory Corporation of America, LabCorp
Classification: Likely benign. Last evaluated: 2026-03-31. Review status: criteria provided, single submitter. Criteria: LabCorp Variant Classification Summary - May 2015. Collection method: clinical testing. Allele origin: germline.

Labcorp Genetics (formerly Invitae), Labcorp
Classification: Benign for Combined immunodeficiency due to DOCK8 deficiency. Last evaluated: 2026-01-27. Review status: criteria provided, single submitter. Criteria: Invitae Variant Classification Sherloc (09022015). Collection method: clinical testing. Allele origin: germline.

Blueprint Genetics
Classification: Likely benign. Last evaluated: 2024-09-06. Review status: criteria provided, single submitter. Criteria: ACMG Guidelines, 2015. Collection method: clinical testing. Allele origin: germline.

CeGaT Center for Human Genetics Tuebingen
Classification: Likely benign. Last evaluated: 2024-07-01. Review status: criteria provided, single submitter. Criteria: CeGaT Center For Human Genetics Tuebingen Variant Classification Criteria Version 2. Collection method: clinical testing. Allele origin: germline. Affected: yes. Observed: 1 variant allele.
Comment: DOCK8: BP4, BP7

GeneDx
Classification: Likely benign. Last evaluated: 2019-01-07. Review status: criteria provided, single submitter. Criteria: GeneDx Variant Classification Process June 2021. Collection method: clinical testing. Allele origin: germline. Affected: yes.

Illumina Laboratory Services, Illumina
Classification: Benign for Combined immunodeficiency due to DOCK8 deficiency. Last evaluated: 2018-01-13. Review status: criteria provided, single submitter. Criteria: ICSL Variant Classification Criteria 13 December 2019. Collection method: clinical testing. Allele origin: germline.
Comment: This variant was observed in the ICSL laboratory as part of a predisposition screen in an ostensibly healthy population. It had not been previously curated by ICSL or reported in the Human Gene Mutation Database (HGMD: prior to June 1st, 2018), and was therefore a candidate for classification through an automated scoring system. Utilizing variant allele frequency, disease prevalence and penetrance estimates, and inheritance mode, an automated score was calculated to assess if this variant is too frequent to cause the disease. Based on the score and internal cut-off values, a variant classified as benign is not then subjected to further curation. The score for this variant resulted in a classification of benign for this disease.

Breakthrough Genomics
Classification: Likely benign. Review status: criteria provided, single submitter. Criteria: ACMG Guidelines, 2015. Collection method: not provided. Allele origin: germline. Inheritance: Autosomal recessive inheritance. Affected: yes.

Dr. Peter K. Rogan Lab, Western University
No classification provided (evidence only). Condition: Clear cell carcinoma of kidney. Review status: no classification provided. Collection method: in vitro. Allele origin: not applicable. Functional consequence: retained intron. Not counted in ClinVar's aggregate classification.

Dr. Peter K. Rogan Lab, Western University
No classification provided (evidence only). Condition: Uterine corpus endometrial carcinoma. Review status: no classification provided. Collection method: in vitro. Allele origin: not applicable. Functional consequence: retained intron. Not counted in ClinVar's aggregate classification.

NM_203447.4(DOCK8):c.1587C>G (p.Pro529=)

Gene: DOCK8 (dedicator of cytokinesis 8; plus strand). Cytogenetic location: 9p24.3.
Variant type: single nucleotide variant.
Coding change: c.1587C>G on transcript NM_203447.4 (MANE Select); coding-DNA position 1587, C replaced by G.
Protein change: p.Pro529=; no amino-acid change (proline 529 retained).
Molecular consequence: synonymous variant.
Genome position (GRCh38, 1-based): chr9:340,229, C>G. VCF-style: chr9-340229-C-G. GRCh37 (hg19) VCF-style: chr9-340229-C-G.
Other names: c.1383C>G, p.Pro461= (NM_001190458.2, NM_001193536.2).
Identifiers: ClinVar variation 390080 (VCV000390080.37), dbSNP rs146289269, ClinGen allele CA4957795.
Genomic context (GRCh38, chr9:340,229, plus strand): 5'-ACTGGAGATTTCTACAGCTCCAGAGATCATCAATTGCTGTCTGACTCCTGAAATGCTGCC[C>G]GTGAAACCCTTTCCTGAAAACCGGACACGCCCGCACAAAGAGATTTTGGAATTTCCAACA-3'
Protein context (NP_982272.2, residues 519-539): INCCLTPEML[Pro529=]VKPFPENRTR